The following is an entry in ClinVar:

ClinVar aggregate classification (germline): Likely benign. Review status: criteria provided, multiple submitters, no conflicts (2 of 4 stars). 3 submissions from 3 submitters: Likely benign (3). Last evaluated 2026-05-12.

Conditions:
Neurofibromatosis, type 1 (NF1). Also called: VON RECKLINGHAUSEN DISEASE; NEUROFIBROMATOSIS, TYPE I, SOMATIC; Neurofibromatosis, type I; Peripheral type neurofibromatosis. Identifiers: Orphanet 636, MedGen C0027831, MONDO:0018975, OMIM 162200. Disease mechanism: loss of function.
Café-au-lait macules with pulmonary stenosis (WTSN). Also called: PULMONIC STENOSIS WITH CAFE-AU-LAIT SPOTS. Identifiers: MedGen C0553586, MONDO:0008672, OMIM 193520.
Juvenile myelomonocytic leukemia (JMML). Also called: LEUKEMIA, JUVENILE MYELOMONOCYTIC, SOMATIC. Identifiers: Orphanet 86834, MedGen C0349639, MONDO:0011908, OMIM 607785, HP:0012209.
Neurofibromatosis-Noonan syndrome (NFNS). Also called: NEUROFIBROMATOSIS WITH NOONAN PHENOTYPE. Identifiers: Orphanet 638, MedGen C2931482, MONDO:0011035, OMIM 601321. Disease mechanism: loss of function.
Neurofibromatosis, familial spinal (FSNF). Identifiers: Orphanet 636, MedGen C1834235, MONDO:0008078, OMIM 162210. Disease mechanism: loss of function.

Allele frequency attached by ClinVar (database versions not stated): gnomAD 0.00001; gnomAD exomes 0.00001 and 0.00002; TOPMed 0.00001; ExAC 0.00002.
gnomAD v4.1: 9 of 1,610,354 alleles (0.00056%); highest among the groups gnomAD compares: Admixed American, 0.01%; no homozygotes.

Submissions (3):

Myriad Genetics, Inc.
Classification: Likely benign for Neurofibromatosis, type 1. Last evaluated: 2026-05-12. Review status: criteria provided, single submitter. Criteria: Myriad Autosomal Dominant, Autosomal Recessive and X-Linked Classification Criteria (2023). Collection method: clinical testing. Allele origin: unknown.
Comment: This variant is considered likely benign. This variant is intronic and is not expected to impact mRNA splicing.

Labcorp Genetics (formerly Invitae), Labcorp
Classification: Likely benign for Neurofibromatosis, type 1. Last evaluated: 2026-01-13. Review status: criteria provided, single submitter. Criteria: Invitae Variant Classification Sherloc (09022015). Collection method: clinical testing. Allele origin: germline.

Fulgent Genetics
Classification: Likely benign for Neurofibromatosis, type 1; Neurofibromatosis, familial spinal; Café-au-lait macules with pulmonary stenosis; Neurofibromatosis-Noonan syndrome; Juvenile myelomonocytic leukemia. Last evaluated: 2022-04-09. Review status: criteria provided, single submitter. Criteria: ACMG Guidelines, 2015. Collection method: clinical testing. Allele origin: unknown.

NM_001042492.3(NF1):c.3871-18A>G

Gene: NF1 (neurofibromin 1; plus strand). Cytogenetic location: 17q11.2.
Variant type: single nucleotide variant.
Coding change: c.3871-18A>G on transcript NM_001042492.3 (MANE Select); 18 bases into the intron before coding-DNA position 3871, A replaced by G.
Molecular consequence: intron variant.
Genome position (GRCh38, 1-based): chr17:31,235,900, A>G. VCF-style: chr17-31235900-A-G. GRCh37 (hg19) VCF-style: chr17-29562918-A-G.
Other names: c.3871-18A>G (NM_000267.4).
Identifiers: ClinVar variation 1642122 (VCV001642122.10), dbSNP rs748424913, ClinGen allele CA8486260.